The following is an entry in ClinVar:

ClinVar aggregate classification (germline): Pathogenic. Review status: criteria provided, multiple submitters, no conflicts (2 of 4 stars). 4 submissions from 4 submitters: Pathogenic (3). 1 of the submissions does not count toward it. Last evaluated 2024-01-26.

Conditions:
Hereditary cancer-predisposing syndrome. Also called: Hereditary Cancer Syndrome; Neoplastic Syndromes, Hereditary; Tumor predisposition; Hereditary neoplastic syndrome. Identifiers: Orphanet 140162, MedGen C0027672, MeSH D009386, MONDO:0015356.
Familial cancer of breast. Also called: BREAST CANCER, FAMILIAL; Hereditary breast cancer; hereditary breast carcinoma. Identifiers: Orphanet 227535, MedGen C0346153, MONDO:0016419, OMIM 114480. Disease mechanism: loss of function.
Ataxia-telangiectasia syndrome (AT). Also called: Cerebello-oculocutaneous telangiectasia; Immunodeficiency with ataxia telangiectasia; Ataxia-telangiectasia, complementation group E; Ataxia-telangiectasia, complementation group D; AT, COMPLEMENTATION GROUP C; ATAXIA-TELANGIECTASIA, COMPLEMENTATION GROUP A. Identifiers: Orphanet 100, MedGen C0004135, MONDO:0008840, OMIM 208900.

Submissions (4):

Myriad Genetics, Inc.
Classification: Pathogenic for Familial cancer of breast. Last evaluated: 2024-01-26. Review status: criteria provided, single submitter. Criteria: Myriad Autosomal Dominant, Autosomal Recessive and X-Linked Classification Criteria (2023). Collection method: clinical testing. Allele origin: unknown.
Comment: This variant is considered pathogenic. This variant creates a frameshift predicted to result in premature protein truncation.

Labcorp Genetics (formerly Invitae), Labcorp
Classification: Pathogenic for Ataxia-telangiectasia syndrome. Last evaluated: 2023-07-17. Review status: criteria provided, single submitter. Criteria: Invitae Variant Classification Sherloc (09022015). Collection method: clinical testing. Allele origin: germline.
Comment: This variant is not present in population databases (gnomAD no frequency). For these reasons, this variant has been classified as Pathogenic. Algorithms developed to predict the effect of sequence changes on RNA splicing suggest that this variant may disrupt the consensus splice site. ClinVar contains an entry for this variant (Variation ID: 1331733, 551082). This variant has not been reported in the literature in individuals affected with ATM-related conditions. This sequence change creates a premature translational stop signal (p.Asp2003Glyfs*15) in the ATM gene. It is expected to result in an absent or disrupted protein product. Loss-of-function variants in ATM are known to be pathogenic (PMID: 23807571, 25614872).

Ambry Genetics
Classification: Pathogenic for Hereditary cancer-predisposing syndrome. Last evaluated: 2020-03-31. Review status: criteria provided, single submitter. Criteria: Ambry Variant Classification Scheme 2023. Collection method: clinical testing. Allele origin: germline.
Comment: The c.6007dupG pathogenic mutation, located in coding exon 40 of the ATM gene, results from a duplication of G at nucleotide position 6007, causing a translational frameshift with a predicted alternate stop codon (p.D2003Gfs*15). This alteration is expected to result in loss of function by premature protein truncation or nonsense-mediated mRNA decay. As such, this alteration is interpreted as a disease-causing mutation.

Counsyl
Classification: Likely pathogenic for Ataxia-telangiectasia syndrome. Last evaluated: 2017-03-24. Review status: no assertion criteria provided. Collection method: clinical testing. Allele origin: unknown. Not counted in ClinVar's aggregate classification.

Literature cited by the submitters: PubMed 23807571 (cited by Labcorp Genetics (formerly Invitae), Labcorp); PubMed 25614872 (cited by Labcorp Genetics (formerly Invitae), Labcorp).

NM_000051.3(ATM):c.6007dup

Genes: ATM (ATM serine/threonine kinase; plus strand), C11orf65 (chromosome 11 open reading frame 65; minus strand). Cytogenetic location: 11q22.3.
Variant type: Duplication.
Coding change: c.6007dup on transcript NM_000051.3; coding-DNA position 6007, one base duplicated (G; older notation c.6007dupG).
Molecular consequence: intron variant (on NM_001330368.2).
Genome position (GRCh38, 1-based): chr11:108,315,823, G duplicated; the last of 2 consecutive G bases (chr11:108,315,822-108,315,823); duplicating either gives the same sequence. VCF-style (leftmost placement, unchanged base first): chr11-108315821-A-AG. GRCh37 (hg19) VCF-style: chr11-108186548-A-AG.
Other names: c.641-6751dup (NM_001330368.2); c.*39-6751dup (NM_001351110.2).
Identifiers: ClinVar variation 551082 (VCV000551082.14), dbSNP rs1555113505, ClinGen allele CA658822140.
Genomic context (GRCh38, chr11:108,315,821, plus strand): 5'-TTGCTAAATTTATAGACCGATTTTTTTTCCTTCTTCAATTTTTGTTGTTTCCATGTTTTC[A>AG]GGATCTTCTCTTAGAAATCTACAGAAGTATAGGGGAGCCAGATAGTTTGTATGGCTGTGG-3'